The following is an entry in ClinVar:

NM_001042492.3(NF1):c.7304G>A (p.Ser2435Asn)

Gene: NF1 (neurofibromin 1; plus strand). Cytogenetic location: 17q11.2.
Variant type: single nucleotide variant.
Coding change: c.7304G>A on transcript NM_001042492.3 (MANE Select); coding-DNA position 7304, G replaced by A.
Protein change: p.Ser2435Asn; replaces serine 2435 with asparagine.
Molecular consequence: missense variant.
Genome position (GRCh38, 1-based): chr17:31,349,234, G>A. VCF-style: chr17-31349234-G-A. GRCh37 (hg19) VCF-style: chr17-29676252-G-A.
Other names: c.7241G>A, p.Ser2414Asn (NM_000267.4); short protein forms S2414N, S2435N.
Identifiers: ClinVar variation 1505148 (VCV001505148.8), dbSNP rs2151572910, ClinGen allele CA399016895.

ClinVar aggregate classification (germline): Uncertain significance (1 of 4 stars; one submission).

Conditions:
Neurofibromatosis, type 1 (NF1). Also called: VON RECKLINGHAUSEN DISEASE; NEUROFIBROMATOSIS, TYPE I, SOMATIC; Peripheral type neurofibromatosis; Neurofibromatosis, type I. Identifiers: Orphanet 636, MedGen C0027831, MONDO:0018975, OMIM 162200. Disease mechanism: loss of function.

Submission:

Labcorp Genetics (formerly Invitae), Labcorp
Classification: Uncertain significance for Neurofibromatosis, type 1. Last evaluated: 2024-05-02. Review status: criteria provided, single submitter. Criteria: Invitae Variant Classification Sherloc (09022015). Collection method: clinical testing. Allele origin: germline.
Comment: This sequence change replaces serine, which is neutral and polar, with asparagine, which is neutral and polar, at codon 2414 of the NF1 protein (p.Ser2414Asn). This variant is not present in population databases (gnomAD no frequency). This variant has not been reported in the literature in individuals affected with NF1-related conditions. ClinVar contains an entry for this variant (Variation ID: 1505148). Advanced modeling of protein sequence and biophysical properties (such as structural, functional, and spatial information, amino acid conservation, physicochemical variation, residue mobility, and thermodynamic stability) has been performed at Invitae for this missense variant, however the output from this modeling did not meet the statistical confidence thresholds required to predict the impact of this variant on NF1 protein function. In summary, the available evidence is currently insufficient to determine the role of this variant in disease. Therefore, it has been classified as a Variant of Uncertain Significance.